The following is an entry in ClinVar:

NM_000093.5(COL5A1):c.5411C>G (p.Thr1804Ser)

Genes: COL5A1 (collagen type V alpha 1 chain; plus strand), LOC101448202 (uncharacterized LOC101448202; minus strand). Cytogenetic location: 9q34.3.
Variant type: single nucleotide variant.
Coding change: c.5411C>G on transcript NM_000093.5 (MANE Select); coding-DNA position 5411, C replaced by G.
Protein change: p.Thr1804Ser; replaces threonine 1804 with serine.
Molecular consequence: missense variant.
Genome position (GRCh38, 1-based): chr9:134,842,197, C>G. VCF-style: chr9-134842197-C-G. GRCh37 (hg19) VCF-style: chr9-137734043-C-G.
Other names: c.5411C>G, p.Thr1804Ser (NM_001278074.1); short protein forms T1804S.
Identifiers: ClinVar variation 939023 (VCV000939023.11), dbSNP rs755260686, ClinGen allele CA375461830.

ClinVar aggregate classification (germline): Uncertain significance (1 of 4 stars; one submission).

Conditions:
Ehlers-Danlos syndrome, classic type, 1 (EDSCL1). Also called: Ehlers-Danlos syndrome, type 1; EHLERS-DANLOS SYNDROME, GRAVIS TYPE; EHLERS-DANLOS SYNDROME, SEVERE CLASSIC TYPE; EDS I; Ehlers-Danlos Syndrome, Classic Type, COL5A1-Related. Identifiers: MedGen C0268335, MONDO:0019567, OMIM 130000.

Submission:

Labcorp Genetics (formerly Invitae), Labcorp
Classification: Uncertain significance for Ehlers-Danlos syndrome, classic type, 1. Last evaluated: 2024-11-17. Review status: criteria provided, single submitter. Criteria: Invitae Variant Classification Sherloc (09022015). Collection method: clinical testing. Allele origin: germline.
Comment: This sequence change replaces threonine, which is neutral and polar, with serine, which is neutral and polar, at codon 1804 of the COL5A1 protein (p.Thr1804Ser). This variant is not present in population databases (gnomAD no frequency). This variant has not been reported in the literature in individuals affected with COL5A1-related conditions. ClinVar contains an entry for this variant (Variation ID: 939023). Invitae Evidence Modeling of protein sequence and biophysical properties (such as structural, functional, and spatial information, amino acid conservation, physicochemical variation, residue mobility, and thermodynamic stability) indicates that this missense variant is not expected to disrupt COL5A1 protein function with a negative predictive value of 95%. In summary, the available evidence is currently insufficient to determine the role of this variant in disease. Therefore, it has been classified as a Variant of Uncertain Significance.